The following is an entry in ClinVar:

NM_001797.4(CDH11):c.*8G>C

Gene: CDH11 (cadherin 11; minus strand). Cytogenetic location: 16q21.
Variant type: single nucleotide variant.
Coding change: c.*8G>C on transcript NM_001797.4 (MANE Select); 8 bases downstream of the stop codon, G replaced by C.
Molecular consequence: 3 prime UTR variant.
Genome position (GRCh38, 1-based): chr16:64,947,595, C>G on the plus strand (G>C on the coding strand, the complement: CDH11 is on the minus strand). VCF-style: chr16-64947595-C-G. GRCh37 (hg19) VCF-style: chr16-64981498-C-G.
Other names: c.*496G>C (NM_001308392.2); c.*8G>C (NM_001330576.2).
Identifiers: ClinVar variation 3043027 (VCV003043027.2), dbSNP rs376269667, ClinGen allele CA8091803.

ClinVar aggregate classification (germline): Likely benign (0 of 4 stars; one submission).

Conditions:
CDH11-related disorder. Also called: CDH11-related condition.

Allele frequency attached by ClinVar (database versions not stated): ExAC 0.00028; ESP Exome Variant Server 0.00062; 1000 Genomes Project 0.00100; 1000 Genomes Project 30x 0.00125.
gnomAD v4.1: 307 of 1,598,906 alleles (0.019%); highest among the groups gnomAD compares: African/African-American, 0.093%; no homozygotes.

Submission:

PreventionGenetics, part of Exact Sciences
Classification: Likely benign for CDH11-related condition. Last evaluated: 2019-06-24. Review status: no assertion criteria provided. Collection method: clinical testing. Allele origin: germline.
Comment: This variant is classified as likely benign based on ACMG/AMP sequence variant interpretation guidelines (Richards et al. 2015 PMID: 25741868, with internal and published modifications).